The following is an entry in ClinVar:

NM_177965.4(CFAP418):c.156-11C>T

Gene: CFAP418 (cilia and flagella associated protein 418; minus strand). Cytogenetic location: 8q22.1.
Variant type: single nucleotide variant.
Coding change: c.156-11C>T on transcript NM_177965.4 (MANE Select); 11 bases into the intron before coding-DNA position 156, C replaced by T.
Molecular consequence: intron variant.
Genome position (GRCh38, 1-based): chr8:95,263,785, G>A on the plus strand (C>T on the coding strand, the complement: CFAP418 is on the minus strand). VCF-style: chr8-95263785-G-A. GRCh37 (hg19) VCF-style: chr8-96276013-G-A.
Other names: c.156-11C>T (NM_001363260.1).
Identifiers: ClinVar variation 364001 (VCV000364001.27), dbSNP rs74652296, ClinGen allele CA4815231.

ClinVar aggregate classification (germline): Benign/Likely benign. Review status: criteria provided, multiple submitters, no conflicts (2 of 4 stars). 6 submissions from 5 submitters: Benign (3); Likely benign (3). Last evaluated 2026-02-01.

Conditions:
Cone-rod dystrophy 16 (CORD16). Identifiers: MedGen C3281045, MONDO:0013786, OMIM 614500.
Retinitis pigmentosa (RP). Identifiers: Orphanet 791, MedGen C0035334, MeSH D012174, MONDO:0019200, OMIM 268000. Inheritance: Autosomal dominant, autosomal recessive and X linked inheritance.

Allele frequency attached by ClinVar (database versions not stated): 1000 Genomes Project 30x 0.01093; 1000 Genomes Project 0.01138; TOPMed 0.01167; ESP Exome Variant Server 0.01402; gnomAD 0.01661 and 0.01693; gnomAD exomes 0.01748 and 0.01840; ExAC 0.01900.
gnomAD v4.1: 26,689 of 1,540,026 alleles (1.7%); highest among the groups gnomAD compares: Non-Finnish European, 1.7%; 329 homozygotes.

Submissions (6):

Labcorp Genetics (formerly Invitae), Labcorp
Classification: Benign. Last evaluated: 2026-02-01. Review status: criteria provided, single submitter. Criteria: Invitae Variant Classification Sherloc (09022015). Collection method: clinical testing. Allele origin: germline.

ARUP Laboratories, Molecular Genetics and Genomics, ARUP Laboratories
Classification: Benign. Last evaluated: 2023-11-03. Review status: criteria provided, single submitter. Criteria: ARUP Molecular Germline Variant Investigation Process 2024. Collection method: clinical testing. Allele origin: germline.

GeneDx
Classification: Benign. Last evaluated: 2018-07-11. Review status: criteria provided, single submitter. Criteria: GeneDx Variant Classification Process June 2021. Collection method: clinical testing. Allele origin: germline. Affected: yes.

Illumina Laboratory Services, Illumina
Classification: Likely benign for Cone-rod dystrophy 16. Last evaluated: 2018-01-13. Review status: criteria provided, single submitter. Criteria: ICSL Variant Classification Criteria 13 December 2019. Collection method: clinical testing. Allele origin: germline.
Comment: This variant was observed in the ICSL laboratory as part of a predisposition screen in an ostensibly healthy population. It had not been previously curated by ICSL or reported in the Human Gene Mutation Database (HGMD: prior to June 1st, 2018), and was therefore a candidate for classification through an automated scoring system. Utilizing variant allele frequency, disease prevalence and penetrance estimates, and inheritance mode, an automated score was calculated to assess if this variant is too frequent to cause the disease. Based on the score and internal cut-off values, a variant classified as likely benign is not then subjected to further curation. The score for this variant resulted in a classification of likely benign for this disease.

Illumina Laboratory Services, Illumina
Classification: Likely benign for Retinitis pigmentosa. Last evaluated: 2018-01-13. Review status: criteria provided, single submitter. Criteria: ICSL Variant Classification Criteria 13 December 2019. Collection method: clinical testing. Allele origin: germline.
Comment: the same text as in the submission from Illumina Laboratory Services, Illumina above.

Breakthrough Genomics
Classification: Likely benign. Review status: criteria provided, single submitter. Criteria: ACMG Guidelines, 2015. Collection method: not provided. Allele origin: germline. Inheritance: Unknown mechanism. Affected: yes.